The following is an entry in ClinVar:

NM_015141.4(GPD1L):c.506-108G>A

Gene: GPD1L (glycerol-3-phosphate dehydrogenase 1 like; plus strand). Cytogenetic location: 3p22.3.
Variant type: single nucleotide variant.
Coding change: c.506-108G>A on transcript NM_015141.4 (MANE Select); 108 bases into the intron before coding-DNA position 506, G replaced by A.
Molecular consequence: intron variant.
Genome position (GRCh38, 1-based): chr3:32,146,514, G>A. VCF-style: chr3-32146514-G-A. GRCh37 (hg19) VCF-style: chr3-32188006-G-A.
Identifiers: ClinVar variation 671834 (VCV000671834.2), dbSNP rs9839702, ClinGen allele CA11549946.
Genomic context (GRCh38, chr3:32,146,514, plus strand): 5'-TGGAAACGGGATATTTTTACTTTATTTCTGCTCCTATGTGTTTTCTAAATATCCTATCAT[G>A]AACATGTTACTTTTATAGTAAGTAGAAACTTATTTTAAAGTGTATTAGGTGTGAAAATTA-3'

ClinVar aggregate classification (germline): Benign. Review status: criteria provided, multiple submitters, no conflicts (2 of 4 stars). 2 submissions from 2 submitters: Benign (2). Last evaluated 2018-06-19.

Allele frequency attached by ClinVar (database versions not stated): gnomAD 0.40763 and 0.41183; TOPMed 0.40806; 1000 Genomes Project 30x 0.46408; 1000 Genomes Project 0.46725.
gnomAD v4.1: 289,064 of 746,310 alleles (39%); highest among the groups gnomAD compares: African/African-American, 53%; 58,371 homozygotes.

Submissions (2):

GeneDx
Classification: Benign. Last evaluated: 2018-06-19. Review status: criteria provided, single submitter. Criteria: GeneDx Variant Classification (06012015). Collection method: clinical testing. Allele origin: germline. Affected: yes.
Comment: This variant is considered likely benign or benign based on one or more of the following criteria: it is a conservative change, it occurs at a poorly conserved position in the protein, it is predicted to be benign by multiple in silico algorithms, and/or has population frequency not consistent with disease.

Breakthrough Genomics
Classification: Benign. Review status: criteria provided, single submitter. Criteria: ACMG Guidelines, 2015. Collection method: not provided. Allele origin: germline. Inheritance: Unknown mechanism. Affected: yes.